The following is an entry in ClinVar:

NM_000540.3(RYR1):c.2801T>C (p.Leu934Pro)

Gene: RYR1 (ryanodine receptor 1; plus strand). Cytogenetic location: 19q13.2.
Variant type: single nucleotide variant.
Coding change: c.2801T>C on transcript NM_000540.3 (MANE Select); coding-DNA position 2801, T replaced by C.
Protein change: p.Leu934Pro; replaces leucine 934 with proline.
Molecular consequence: missense variant.
Genome position (GRCh38, 1-based): chr19:38,464,653, T>C. VCF-style: chr19-38464653-T-C. GRCh37 (hg19) VCF-style: chr19-38955293-T-C.
Other names: c.2801T>C, p.Leu934Pro (NM_001042723.2); short protein forms L934P.
Identifiers: ClinVar variation 5008143 (VCV005008143.1).
Genomic context (GRCh38, chr19:38,464,653, plus strand): 5'-GAGCTCTGAGGGGCGTGACCTGTCGCCTCCACTCCCCCACCCCCAGGACTCTGCTGGCTC[T>C]GGGCTGCCACGTGGGCATGGCGGATGAGAAGGCGGAGGACAACCTGAAGAAGACAAAACT-3'
Protein context (NP_000531.2, residues 924-944): SGETLKTLLA[Leu934Pro]GCHVGMADEK

ClinVar aggregate classification (germline): Uncertain significance (1 of 4 stars; one submission).

Submission:

GeneDx
Classification: Uncertain significance. Last evaluated: 2026-02-26. Review status: criteria provided, single submitter. Criteria: GeneDx Variant Classification Process June 2021. Collection method: clinical testing. Allele origin: germline.
Comment: Not observed at significant frequency in large population cohorts (gnomAD); In silico analysis supports that this missense variant has a deleterious effect on protein structure/function; Has not been previously published as pathogenic or benign to our knowledge